The following is an entry in ClinVar:

NM_002227.4(JAK1):c.3020G>A (p.Arg1007Lys)

Gene: JAK1 (Janus kinase 1; minus strand). Cytogenetic location: 1p31.3.
Variant type: single nucleotide variant.
Coding change: c.3020G>A on transcript NM_002227.4 (MANE Select); coding-DNA position 3020, G replaced by A.
Protein change: p.Arg1007Lys; replaces arginine 1007 with lysine.
Molecular consequence: missense variant.
Genome position (GRCh38, 1-based): chr1:64,838,052, C>T on the plus strand (G>A on the coding strand, the complement: JAK1 is on the minus strand). VCF-style: chr1-64838052-C-T. GRCh37 (hg19) VCF-style: chr1-65303735-C-T.
Other names: c.3020G>A, p.Arg1007Lys (NM_001321856.2, NM_001320923.2, NM_001321852.2 and 3 more transcripts); c.3017G>A, p.Arg1006Lys (NM_001321857.2); short protein forms R1006K, R1007K.
Identifiers: ClinVar variation 3665013 (VCV003665013.2).

ClinVar aggregate classification (germline): Uncertain significance (1 of 4 stars; one submission).

Submission:

Labcorp Genetics (formerly Invitae), Labcorp
Classification: Uncertain significance. Last evaluated: 2024-09-14. Review status: criteria provided, single submitter. Criteria: Invitae Variant Classification Sherloc (09022015). Collection method: clinical testing. Allele origin: germline.
Comment: This sequence change replaces arginine, which is basic and polar, with lysine, which is basic and polar, at codon 1007 of the JAK1 protein (p.Arg1007Lys). This variant is not present in population databases (gnomAD no frequency). This variant has not been reported in the literature in individuals affected with JAK1-related conditions. Invitae Evidence Modeling of protein sequence and biophysical properties (such as structural, functional, and spatial information, amino acid conservation, physicochemical variation, residue mobility, and thermodynamic stability) indicates that this missense variant is expected to disrupt JAK1 protein function with a positive predictive value of 80%. In summary, the available evidence is currently insufficient to determine the role of this variant in disease. Therefore, it has been classified as a Variant of Uncertain Significance.